The following is an entry in ClinVar:

NM_015386.3(COG4):c.1710+17C>G

Gene: COG4 (component of oligomeric golgi complex 4; minus strand). Cytogenetic location: 16q22.1.
Variant type: single nucleotide variant.
Coding change: c.1710+17C>G on transcript NM_015386.3 (MANE Select); 17 bases into the intron after coding-DNA position 1710, C replaced by G.
Molecular consequence: intron variant.
Genome position (GRCh38, 1-based): chr16:70,490,313, G>C on the plus strand (C>G on the coding strand, the complement: COG4 is on the minus strand). VCF-style: chr16-70490313-G-C. GRCh37 (hg19) VCF-style: chr16-70524216-G-C.
Other names: c.1635+5953C>G (NM_001195139.2); c.1284+17C>G (NM_001365426.1).
Identifiers: ClinVar variation 380010 (VCV000380010.11), dbSNP rs74026056, ClinGen allele CA8144236.
Genomic context (GRCh38, chr16:70,490,313, plus strand): 5'-CATGATGTTTGTATAGGGCTCTATCTCAACATGGGAAAAGATGGCTGCTGACCACTGATA[G>C]GCAATTTCCCTCGTACCTCCAGTGTCTTCTTCAGAGTGGAGATGTTTTCACTGCAGACTT-3'

ClinVar aggregate classification (germline): Benign. Review status: criteria provided, multiple submitters, no conflicts (2 of 4 stars). 3 submissions from 3 submitters: Benign (3). Last evaluated 2026-01-28.

Conditions:
COG4-congenital disorder of glycosylation. Also called: COG4-CDG; CONGENITAL DISORDER OF GLYCOSYLATION, TYPE IIj; CDG IIj. Identifiers: Orphanet 263501, MedGen C4303552, MONDO:0013281, OMIM 613489.

Allele frequency attached by ClinVar (database versions not stated): gnomAD exomes 0.00701; ExAC 0.00878; gnomAD 0.02706 and 0.02905; TOPMed 0.02916; 1000 Genomes Project 0.03015; 1000 Genomes Project 30x 0.03061; ESP Exome Variant Server 0.03132.
gnomAD v4.1: 7,931 of 1,607,314 alleles (0.49%); highest among the groups gnomAD compares: African/African-American, 9.4%; 366 homozygotes.

Submissions (3):

Labcorp Genetics (formerly Invitae), Labcorp
Classification: Benign for COG4-congenital disorder of glycosylation. Last evaluated: 2026-01-28. Review status: criteria provided, single submitter. Criteria: Invitae Variant Classification Sherloc (09022015). Collection method: clinical testing. Allele origin: germline.

GeneDx
Classification: Benign. Last evaluated: 2015-12-10. Review status: criteria provided, single submitter. Criteria: GeneDx Variant Classification (06012015). Collection method: clinical testing. Allele origin: germline. Affected: yes.
Comment: This variant is considered likely benign or benign based on one or more of the following criteria: it is a conservative change, it occurs at a poorly conserved position in the protein, it is predicted to be benign by multiple in silico algorithms, and/or has population frequency not consistent with disease.

Breakthrough Genomics
Classification: Benign. Review status: criteria provided, single submitter. Criteria: ACMG Guidelines, 2015. Collection method: not provided. Allele origin: germline. Inheritance: Autosomal recessive inheritance. Affected: yes.